The following is an entry in ClinVar:

ClinVar aggregate classification (germline): Uncertain significance (1 of 4 stars; one submission).

Conditions:
Lipoic acid synthetase deficiency. Also called: HYPERGLYCINEMIA, LACTIC ACIDOSIS, AND SEIZURES. Identifiers: Orphanet 401859, MedGen C3280887, MONDO:0013762, OMIM 614462.

gnomAD v4.1: 3 of 1,495,518 alleles (0.0002%); highest among the groups gnomAD compares: Admixed American, 0.002%; no homozygotes.

Submission:

Labcorp Genetics (formerly Invitae), Labcorp
Classification: Uncertain significance for Lipoic acid synthetase deficiency. Last evaluated: 2022-05-14. Review status: criteria provided, single submitter. Criteria: Invitae Variant Classification Sherloc (09022015). Collection method: clinical testing. Allele origin: germline.
Comment: This sequence change affects codon 104 of the LIAS mRNA. It is a 'silent' change, meaning that it does not change the encoded amino acid sequence of the LIAS protein. It affects a nucleotide within the consensus splice site. This variant is present in population databases (rs749254524, gnomAD 0.004%). This variant has not been reported in the literature in individuals affected with LIAS-related conditions. ClinVar contains an entry for this variant (Variation ID: 645322). Algorithms developed to predict the effect of sequence changes on RNA splicing suggest that this variant is not likely to affect RNA splicing. In summary, the available evidence is currently insufficient to determine the role of this variant in disease. Therefore, it has been classified as a Variant of Uncertain Significance.

NM_006859.4(LIAS):c.312A>G (p.Thr104=)

Gene: LIAS (lipoic acid synthetase; plus strand). Cytogenetic location: 4p14.
Variant type: single nucleotide variant.
Coding change: c.312A>G on transcript NM_006859.4 (MANE Select); coding-DNA position 312, A replaced by G.
Protein change: p.Thr104=; no amino-acid change (threonine 104 retained).
Molecular consequence: synonymous variant. On other transcripts: intron variant (2).
Genome position (GRCh38, 1-based): chr4:39,462,289, A>G. VCF-style: chr4-39462289-A-G. GRCh37 (hg19) VCF-style: chr4-39463909-A-G.
Other names: c.312A>G, p.Thr104= (NM_001278590.2, NM_001278591.2, NM_194451.3); c.219-1236A>G (NM_001363700.2, NM_001278592.2).
Identifiers: ClinVar variation 645322 (VCV000645322.4), dbSNP rs749254524, ClinGen allele CA2894630.